The following is an entry in ClinVar:

NM_144643.4(SCLT1):c.1244T>C (p.Ile415Thr)

Gene: SCLT1 (sodium channel and clathrin linker 1; minus strand). Cytogenetic location: 4q28.2.
Variant type: single nucleotide variant.
Coding change: c.1244T>C on transcript NM_144643.4 (MANE Select); coding-DNA position 1244, T replaced by C.
Protein change: p.Ile415Thr; replaces isoleucine 415 with threonine.
Molecular consequence: missense variant.
Genome position (GRCh38, 1-based): chr4:128,948,545, A>G on the plus strand (T>C on the coding strand, the complement: SCLT1 is on the minus strand). VCF-style: chr4-128948545-A-G. GRCh37 (hg19) VCF-style: chr4-129869700-A-G.
Other names: c.1244T>C, p.Ile415Thr (NM_001410807.1); short protein forms I415T.
Identifiers: ClinVar variation 4998843 (VCV004998843.1).

ClinVar aggregate classification (germline): Uncertain significance (1 of 4 stars; one submission).

Conditions:
SCLT1-related disorder. Also called: SCLT1-related condition.

gnomAD v4.1: 2 of 1,608,076 alleles (0.00012%); highest among the groups gnomAD compares: South Asian, 0.0011%; no homozygotes.

Submission:

PreventionGenetics, part of Exact Sciences
Classification: Uncertain significance for SCLT1-related condition. Last evaluated: 2024-10-30. Review status: criteria provided, single submitter. Criteria: ACMG Guidelines, 2015. Collection method: clinical testing. Allele origin: germline.
Comment: The SCLT1 c.1244T>C variant is predicted to result in the amino acid substitution p.Ile415Thr. To our knowledge, this variant has not been reported in the literature or in a large population database (gnomAD), indicating this variant is rare. At this time, the clinical significance of this variant is uncertain due to the absence of conclusive functional and genetic evidence.